The following is an entry in ClinVar:

ClinVar aggregate classification (germline): Uncertain significance (1 of 4 stars; one submission).

Conditions:
Adams-Oliver syndrome 5 (AOS5). Identifiers: Orphanet 974, MedGen C4014970, MONDO:0014459, OMIM 616028.

Submission:

Labcorp Genetics (formerly Invitae), Labcorp
Classification: Uncertain significance for Adams-Oliver syndrome 5. Last evaluated: 2024-04-22. Review status: criteria provided, single submitter. Criteria: Invitae Variant Classification Sherloc (09022015). Collection method: clinical testing. Allele origin: germline.
Comment: This sequence change replaces lysine, which is basic and polar, with threonine, which is neutral and polar, at codon 1537 of the NOTCH1 protein (p.Lys1537Thr). This variant is not present in population databases (gnomAD no frequency). This variant has not been reported in the literature in individuals affected with NOTCH1-related conditions. Advanced modeling of protein sequence and biophysical properties (such as structural, functional, and spatial information, amino acid conservation, physicochemical variation, residue mobility, and thermodynamic stability) performed at Invitae indicates that this missense variant is not expected to disrupt NOTCH1 protein function with a negative predictive value of 80%. In summary, the available evidence is currently insufficient to determine the role of this variant in disease. Therefore, it has been classified as a Variant of Uncertain Significance.

NM_017617.5(NOTCH1):c.4610A>C (p.Lys1537Thr)

Gene: NOTCH1 (notch receptor 1; minus strand). Cytogenetic location: 9q34.3.
Variant type: single nucleotide variant.
Coding change: c.4610A>C on transcript NM_017617.5 (MANE Select); coding-DNA position 4610, A replaced by C.
Protein change: p.Lys1537Thr; replaces lysine 1537 with threonine.
Molecular consequence: missense variant.
Genome position (GRCh38, 1-based): chr9:136,505,081, T>G on the plus strand (A>C on the coding strand, the complement: NOTCH1 is on the minus strand). VCF-style: chr9-136505081-T-G. GRCh37 (hg19) VCF-style: chr9-139399533-T-G.
Other names: short protein forms K1537T.
Identifiers: ClinVar variation 3618002 (VCV003618002.2).
Genomic context (GRCh38, chr9:136,505,081, plus strand): 5'-TCCCACTCGCACTCCGCGCTGTTGCAGCCCTGGTCGCAGTGCCCGTCGCTGAAGTGGTCC[T>G]TGCAGTACTGGTCGTACAGGGGGCTGTGGGGGGCGGGACACGCTCAGGCCGCCTTCCTCG-3'
Protein context (NP_060087.3, residues 1527-1547): QCNPLYDQYC[Lys1537Thr]DHFSDGHCDQ